The following is an entry in ClinVar:

ClinVar aggregate classification (germline): Likely benign. Review status: criteria provided, single submitter (1 of 4 stars). 2 submissions from 2 submitters: Likely benign (1). 1 of the submissions does not count toward it. Last evaluated 2025-11-01.

Conditions:
ATRX-related disorder. Also called: ATRX-related condition.
Alpha thalassemia-X-linked intellectual disability syndrome (ATRX). Also called: ALPHA-THALASSEMIA/MENTAL RETARDATION SYNDROME, X-LINKED; ATR, NONDELETION TYPE; ATR-X syndrome; Alpha thalassemia mental retardation syndrome, nondeletion type, X-linked; XLMR hypotonic face syndrome; X-linked alpha-thalassemia-mental retardation syndrome. Identifiers: Orphanet 847, MedGen C1845055, MONDO:0010519, OMIM 301040.

Allele frequency attached by ClinVar (database versions not stated): ExAC 0.00002; ESP Exome Variant Server 0.00019; gnomAD exomes 0.00002 and 0.00001; TOPMed 0.00001; gnomAD 0.00003.
gnomAD v4.1: 18 of 1,181,828 alleles (0.0015%); highest among the groups gnomAD compares: African/African-American, 0.019%; no homozygotes.

Submissions (2):

Labcorp Genetics (formerly Invitae), Labcorp
Classification: Likely benign for Alpha thalassemia-X-linked intellectual disability syndrome. Last evaluated: 2025-11-01. Review status: criteria provided, single submitter. Criteria: Invitae Variant Classification Sherloc (09022015). Collection method: clinical testing. Allele origin: germline.

PreventionGenetics, part of Exact Sciences
Classification: Likely benign for ATRX-related condition. Last evaluated: 2023-02-16. Review status: no assertion criteria provided. Collection method: clinical testing. Allele origin: germline. Not counted in ClinVar's aggregate classification.
Comment: This variant is classified as likely benign based on ACMG/AMP sequence variant interpretation guidelines (Richards et al. 2015 PMID: 25741868, with internal and published modifications).

NM_000489.6(ATRX):c.4215-6C>T

Gene: ATRX (ATRX chromatin remodeler; minus strand). Cytogenetic location: Xq21.1.
Variant type: single nucleotide variant.
Coding change: c.4215-6C>T on transcript NM_000489.6 (MANE Select); 6 bases into the intron before coding-DNA position 4215, C replaced by T.
Molecular consequence: intron variant.
Genome position (GRCh38, 1-based): chrX:77,654,206, G>A on the plus strand (C>T on the coding strand, the complement: ATRX is on the minus strand). VCF-style: chrX-77654206-G-A. GRCh37 (hg19) VCF-style: chrX-76909696-G-A.
Other names: c.4215-6C>T (NM_000489.4); c.4101-6C>T (NM_138270.5).
Identifiers: ClinVar variation 1140261 (VCV001140261.14), dbSNP rs375091964, ClinGen allele CA10457822.